The following is an entry in ClinVar:

ClinVar aggregate classification (germline): Pathogenic/Likely pathogenic. Review status: criteria provided, multiple submitters, no conflicts (2 of 4 stars). 12 submissions from 12 submitters: Pathogenic (4); Likely pathogenic (2). 6 of the submissions do not count toward it. Last evaluated 2026-09-01.

Conditions:
Early-infantile DEE. Also called: Early infantile epileptic encephalopathy; Ohtahara syndrome; Early infantile epileptic encephalopathy with suppression bursts. Identifiers: Orphanet 1934, MedGen C0393706, MONDO:0800491.
Inborn genetic diseases. Identifiers: MedGen C0950123, MeSH D030342.
Developmental and epileptic encephalopathy, 7 (DEE7). Also called: KCNQ2-Related Neonatal Epileptic Encephalopathy; Early infantile epileptic encephalopathy 7; KCNQ2-Related Neonatal-Onset Developmental and Epileptic Encephalopathy (NEO-DEE). Identifiers: Orphanet 439218, MedGen C3150986, MONDO:0013387, OMIM 613720.
Seizures, benign familial neonatal, 1. Also called: KCNQ2-Related Benign Familial Neonatal Epilepsy; Benign Neonatal Epilepsy 1; KCNQ2-Related Self-Limited Familial Neonatal Epilepsy (SLFNE); Seizures, benign neonatal, 1. Identifiers: Orphanet 1949, MedGen C3149074, MONDO:0007365, OMIM 121200.
Intellectual disability. Also called: Intellectual functioning disability; Intellectual developmental disorder; intellectual disabilities. Identifiers: MedGen C3714756, MeSH D008607, MONDO:0001071, HP:0001249.

Submissions (18):

CeGaT Center for Human Genetics Tuebingen
Classification: Pathogenic. Last evaluated: 2026-09-01. Review status: criteria provided, single submitter. Criteria: CeGaT Center For Human Genetics Tuebingen Variant Classification Criteria Version 2. Collection method: clinical testing. Allele origin: germline. Affected: yes. Observed: 2 variant alleles.
Comment: KCNQ2: PM2, PM5, PS2:Moderate, PS4:Moderate, PP2, PP3, PS3:Supporting

Ambry Genetics
Classification: Pathogenic for Inborn genetic diseases. Last evaluated: 2025-06-06. Review status: criteria provided, single submitter. Criteria: Ambry Variant Classification Scheme 2023. Collection method: clinical testing. Allele origin: germline.
Comment: The c.430C>T (p.R144W) alteration is located in coding exon 3 of the KCNQ2 gene. This alteration results from a C to T substitution at nucleotide position 430, causing the arginine (R) at amino acid position 144 to be replaced by a tryptophan (W). This variant was not reported in population-based cohorts in the Genome Aggregation Database (gnomAD). This variant was determined to be de novo in at least one individual with features consistent with KCNQ2-related seizure disorder (Geisheker, 2017; Lelieveld, 2017; Ambry internal data; external communication). Other variants at the same codon, c.430C>G (p.R144G) and c.431G>A (p.R144Q), have been identified in individuals with features consistent with KCNQ2-related seizure disorder (Allen, 2013; Geisheker, 2017; Lelieveld, 2017; Miceli, 2022). This amino acid position is highly conserved in available vertebrate species. This missense alteration is located in a region that has a low rate of benign missense variation (Lek, 2016; Firth, 2009). Based on Ambry's internal structural analysis, this alteration is located in the S2 helix in the voltage sensor and anticipated to disrupt a region of known function. This alteration is predicted to be deleterious by in silico analysis. Based on the available evidence, this alteration is classified as pathogenic.

GeneDx
Classification: Pathogenic. Last evaluated: 2024-11-27. Review status: criteria provided, single submitter. Criteria: GeneDx Variant Classification Process June 2021. Collection method: clinical testing. Allele origin: germline. Affected: yes.
Comment: Not observed at significant frequency in large population cohorts (gnomAD); This substitution is predicted to be in the Intracellular loop between the S2 and S3 transmembrane segments; In silico analysis supports that this missense variant has a deleterious effect on protein structure/function; This variant is associated with the following publications: (PMID: 28628100, 28867141, 27479843, 28135719, 33754465, 31785789, 33057194, 36114283, 35982159, 35599849, 35780567)

Labcorp Genetics (formerly Invitae), Labcorp
Classification: Pathogenic for Early-infantile DEE. Last evaluated: 2023-03-28. Review status: criteria provided, single submitter. Criteria: Invitae Variant Classification Sherloc (09022015). Collection method: clinical testing. Allele origin: germline.
Comment: For these reasons, this variant has been classified as Pathogenic. This variant disrupts the p.Arg144 amino acid residue in KCNQ2. Other variant(s) that disrupt this residue have been determined to be pathogenic (PMID: 23934111, 25740509). This suggests that this residue is clinically significant, and that variants that disrupt this residue are likely to be disease-causing. Advanced modeling of protein sequence and biophysical properties (such as structural, functional, and spatial information, amino acid conservation, physicochemical variation, residue mobility, and thermodynamic stability) performed at Invitae indicates that this missense variant is expected to disrupt KCNQ2 protein function. ClinVar contains an entry for this variant (Variation ID: 452487). This missense change has been observed in individual(s) with developmental and epileptic encephalopathy (PMID: 33754465). In at least one individual the variant was observed to be de novo. This variant is not present in population databases (gnomAD no frequency). This sequence change replaces arginine, which is basic and polar, with tryptophan, which is neutral and slightly polar, at codon 144 of the KCNQ2 protein (p.Arg144Trp).

Cytogénomique, Hospices Civils de Lyon
Classification: Likely pathogenic for Developmental and epileptic encephalopathy, 7; Seizures, benign familial neonatal, 1. Last evaluated: 2017-11-03. Review status: criteria provided, single submitter. Criteria: ACMG Guidelines, 2015. Collection method: clinical testing. Allele origin: de novo. Inheritance: Autosomal dominant inheritance. Affected: yes.

Juno Genomics, Hangzhou Juno Genomics, Inc
Classification: Likely pathogenic for Developmental and epileptic encephalopathy, 7; Seizures, benign familial neonatal, 1. Review status: criteria provided, single submitter. Criteria: ACMG Guidelines, 2015. Collection method: clinical testing. Allele origin: germline. Affected: yes.
Comment: Absent from controls (or at extremely low frequency if recessive) in Genome Aggregation Database, Exome Sequencing Project, 1000 Genomes Project, or Exome Aggregation Consortium.;The prevalence of the variant in affected individuals is significantly increased compared to the prevalence in controls.;De novo (both maternity and paternity confirmed) in a patient with the disease and no family history.;Multiple lines of computational evidence support a deleterious effect on the gene or gene product (conservation, evolutionary, splicing impact, etc).;Novel missense change at an amino acid residue where a different missense change determined to be pathogenic has been seen before.

Clinical Genetics Laboratory, University Hospital Schleswig-Holstein
Classification: Pathogenic for Developmental and epileptic encephalopathy, 7. Last evaluated: 2023-09-01. Review status: no assertion criteria provided. Collection method: clinical testing. Allele origin: de novo. Affected: yes. Not counted in ClinVar's aggregate classification.

Solve-RD Consortium
Classification: Likely pathogenic for Developmental and epileptic encephalopathy, 7. Last evaluated: 2022-06-01. Review status: no assertion criteria provided. Collection method: provider interpretation. Allele origin: inherited. Affected: yes. Not counted in ClinVar's aggregate classification.
Comment: Variant confirmed as disease-causing by referring clinical team

Variant identified during reanalysis of unsolved cases by the Solve-RD project. The Solve-RD project has received funding from the European Union’s Horizon 2020 research and innovation programme under grant agreement No 779257.

Diagnostic Laboratory, Strasbourg University Hospital
Classification: Likely pathogenic for Intellectual disability. Last evaluated: 2020-04-15. Review status: no assertion criteria provided. Collection method: clinical testing. Allele origin: unknown. Inheritance: Autosomal dominant inheritance. Affected: yes. Observed: 1 heterozygote. Not counted in ClinVar's aggregate classification.

Channelopathy-Associated Epilepsy Research Center
No classification provided (evidence only). Condition: Complex neurodevelopmental disorder. Review status: no classification provided. Collection method: literature only. Allele origin: not applicable. Functional consequence: Moderate decrease in peak current, Severe slowing of activation, Severe hyperpolarizing shift of voltage dependence of activation. Not counted in ClinVar's aggregate classification.
ClinVar note: "not provided" was previously submitted as the classification for the variant. However, the classification appeared to be based only on an observation of functional data so it was converted to no classification on 2025-07-30.

Channelopathy-Associated Epilepsy Research Center
No classification provided (evidence only). Review status: no classification provided. Collection method: in vitro. Allele origin: not applicable. Functional consequence: Increase in peak current. Not counted in ClinVar's aggregate classification.

Channelopathy-Associated Epilepsy Research Center
No classification provided (evidence only). Review status: no classification provided. Collection method: in vitro. Allele origin: not applicable. Functional consequence: Increase in peak current. Not counted in ClinVar's aggregate classification.

Channelopathy-Associated Epilepsy Research Center
No classification provided (evidence only). Review status: no classification provided. Collection method: in vitro. Allele origin: not applicable. Functional consequence: Hyperpolarizing shift of voltage dependence of activation. Not counted in ClinVar's aggregate classification.

Channelopathy-Associated Epilepsy Research Center
No classification provided (evidence only). Review status: no classification provided. Collection method: in vitro. Allele origin: not applicable. Functional consequence: Increase in slope of activation. Not counted in ClinVar's aggregate classification.

Channelopathy-Associated Epilepsy Research Center
No classification provided (evidence only). Review status: no classification provided. Collection method: in vitro. Allele origin: not applicable. Functional consequence: Slowing of activation. Not counted in ClinVar's aggregate classification.

Genome Diagnostics Laboratory, University Medical Center Utrecht
Classification: Pathogenic. Review status: no assertion criteria provided. Collection method: clinical testing. Allele origin: germline. Affected: yes. Study: VKGL Data-share Consensus. Not counted in ClinVar's aggregate classification.

Joint Genome Diagnostic Labs from Nijmegen and Maastricht, Radboudumc and MUMC+
Classification: Pathogenic. Review status: no assertion criteria provided. Collection method: clinical testing. Allele origin: germline. Affected: yes. Study: VKGL Data-share Consensus. Not counted in ClinVar's aggregate classification.

New York Genome Center
Classification: Uncertain significance for Developmental and epileptic encephalopathy, 7. Last evaluated: 2019-10-07. Review status: flagged submission. Criteria: NYGC Assertion Criteria 2020. Collection method: clinical testing. Allele origin: germline. Inheritance: Autosomal dominant inheritance. Observed: 1 heterozygote. Study: CSER-NYCKidSeq. Not counted in ClinVar's aggregate classification.
ClinVar note: Reason: Older and outlier claim with insufficient supporting evidence

Literature cited by the submitters: PubMed 23934111 (cited by Ambry Genetics and Labcorp Genetics (formerly Invitae), Labcorp); PubMed 28628100 (cited by Ambry Genetics); PubMed 28867141 (cited by Ambry Genetics); PubMed 35780567 (cited by Ambry Genetics); PubMed 25740509 (cited by Labcorp Genetics (formerly Invitae), Labcorp); PubMed 33754465 (cited by Labcorp Genetics (formerly Invitae), Labcorp); PubMed 39825153 (cited by Solve-RD Consortium); PubMed 35104249 (cited by Channelopathy-Associated Epilepsy Research Center).

NM_172107.4(KCNQ2):c.430C>T (p.Arg144Trp)

Gene: KCNQ2 (potassium voltage-gated channel subfamily Q member 2; minus strand). Cytogenetic location: 20q13.33.
Variant type: single nucleotide variant.
Coding change: c.430C>T on transcript NM_172107.4 (MANE Select); coding-DNA position 430, C replaced by T.
Protein change: p.Arg144Trp; replaces arginine 144 with tryptophan.
Molecular consequence: missense variant.
Genome position (GRCh38, 1-based): chr20:63,445,322, G>A on the plus strand (C>T on the coding strand, the complement: KCNQ2 is on the minus strand). VCF-style: chr20-63445322-G-A. GRCh37 (hg19) VCF-style: chr20-62076675-G-A.
Other names: KCNQ2; c.430C>T, p.Arg144Trp (NM_004518.6, NM_172106.3, NM_172108.5 and 1 more transcripts); short protein forms R144W.
Identifiers: ClinVar variation 452487 (VCV000452487.60), dbSNP rs1555873985, ClinGen allele CA409655455.